The following is an entry in ClinVar:

ClinVar aggregate classification (germline): Uncertain significance. Review status: criteria provided, multiple submitters, no conflicts (2 of 4 stars). 3 submissions from 3 submitters: Uncertain significance (3). Last evaluated 2024-09-12.

gnomAD v4.1: 9 of 1,610,530 alleles (0.00056%); highest among the groups gnomAD compares: Non-Finnish European, 0.00068%; no homozygotes.

Submissions (3):

Blueprint Genetics
Classification: Uncertain significance. Last evaluated: 2024-09-12. Review status: criteria provided, single submitter. Criteria: ACMG Guidelines, 2015. Collection method: clinical testing. Allele origin: germline.

Women's Health and Genetics/Laboratory Corporation of America, LabCorp
Classification: Uncertain significance. Last evaluated: 2023-10-09. Review status: criteria provided, single submitter. Criteria: LabCorp Variant Classification Summary - May 2015. Collection method: clinical testing. Allele origin: germline.

CeGaT Center for Human Genetics Tuebingen
Classification: Uncertain significance. Last evaluated: 2023-03-01. Review status: criteria provided, single submitter. Criteria: CeGaT Center For Human Genetics Tuebingen Variant Classification Criteria Version 2. Collection method: clinical testing. Allele origin: germline. Affected: yes. Observed: 1 variant allele.
Comment: TTN: PM2

NM_001267550.2(TTN):c.50344C>G (p.Pro16782Ala)

Genes: TTN (titin; minus strand), TTN-AS1 (TTN antisense RNA 1; plus strand). Cytogenetic location: 2q31.2.
Variant type: single nucleotide variant.
Coding change: c.50344C>G on transcript NM_001267550.2 (MANE Select); coding-DNA position 50344, C replaced by G.
Protein change: p.Pro16782Ala; replaces proline 16782 with alanine.
Molecular consequence: missense variant.
Genome position (GRCh38, 1-based): chr2:178,612,067, G>C on the plus strand (C>G on the coding strand, the complement: TTN is on the minus strand). VCF-style: chr2-178612067-G-C. GRCh37 (hg19) VCF-style: chr2-179476794-G-C.
Other names: c.45421C>G, p.Pro15141Ala (NM_001256850.1); c.23149C>G, p.Pro7717Ala (NM_003319.4); c.42640C>G, p.Pro14214Ala (NM_133378.4); c.23524C>G, p.Pro7842Ala (NM_133432.3); c.23725C>G, p.Pro7909Ala (NM_133437.4); short protein forms P14214A, P15141A, P16782A, P7717A, P7842A, P7909A.
Identifiers: ClinVar variation 2637643 (VCV002637643.25), dbSNP rs761148844, ClinGen allele CA349596901.